The following is an entry in ClinVar:

NM_000169.3(GLA):c.461_462insCA (p.Asp155fs)

Genes: GLA (galactosidase alpha; minus strand), RPL36A-HNRNPH2 (RPL36A-HNRNPH2 readthrough; plus strand). Cytogenetic location: Xq22.1.
Variant type: Insertion.
Coding change: c.461_462insCA on transcript NM_000169.3 (MANE Select); coding-DNA positions 461 to 462, CA inserted.
Protein change: p.Asp155fs; shifts the reading frame from aspartic acid 155.
Molecular consequence: frameshift variant. On other transcripts: non-coding transcript variant (3), intron variant (2).
Genome position: GRCh38 VCF-style: chrX-101401717-A-ATG. GRCh37 (hg19) VCF-style: chrX-100656705-A-ATG.
Other names: c.584_585insCA, p.Asp196fs (NM_001406747.1, NM_001406749.1); c.461_462insCA, p.Asp155fs (NM_001406748.1); c.300+6260_300+6261insTG (NM_001199973.2); c.177+9895_177+9896insTG (NM_001199974.2); short protein forms D155fs, D196fs.
Identifiers: ClinVar variation 4086964 (VCV004086964.1).
Genomic context (GRCh38, chrX:101,401,717, plus strand): 5'-ACAGTAACAACCATCAAATTTTAGCAGATCTACTCCCCAGTCAGCAAAGGTCTGGGCATC[A>ATG]ATGTCGTAGTATCCAAAACTCCCAGGGAAGCCTGCGCAGGTTTTATTTCCAACATCTGCA-3'

ClinVar aggregate classification (germline): Pathogenic (1 of 4 stars; one submission).

Conditions:
Fabry disease. Also called: Fabry's disease; ALPHA-GALACTOSIDASE A DEFICIENCY; ANDERSON-FABRY DISEASE; CERAMIDE TRIHEXOSIDASE DEFICIENCY; GLA DEFICIENCY; HEREDITARY DYSTOPIC LIPIDOSIS. Identifiers: Orphanet 324, MedGen C0002986, MONDO:0010526, OMIM 301500, HP:0001071. Disease mechanism: Fabry disease is due to inactivating mutations in the X-linked GLA gene resulting in deficiency of the enzyme Alpha Galactosidase-A., loss of function.

Submission:

Genomenon, Inc
Classification: Pathogenic for Fabry disease. Last evaluated: 2025-09-15. Review status: criteria provided, single submitter. Criteria: Genomenon Sequence Variant Interpretation Standards. Collection method: curation. Allele origin: germline. Affected: yes.
Comment: GLA p.Asp155MetfsTer11 (c.461_462insCA) is a frameshift variant that results in the production of a truncated protein which is predicted to undergo nonsense-mediated mRNA decay. This variant has been observed in at least one proband affected with Fabry disease (PMID:22551898). It is absent or not present at a significant frequency in gnomAD. In conclusion, we classify GLA p.Asp155MetfsTer11 (c.461_462insCA) as a pathogenic variant.

Literature cited by the submitters: PubMed 22551898.